The following is an entry in ClinVar:

ClinVar aggregate classification (germline): Uncertain significance (1 of 4 stars; one submission).

gnomAD v4.1: 1 of 1,613,560 alleles (0.000062%); highest among the groups gnomAD compares: Non-Finnish European, 0.000085%; no homozygotes.

Submission:

GeneDx
Classification: Uncertain significance. Last evaluated: 2022-06-24. Review status: criteria provided, single submitter. Criteria: GeneDx Variant Classification Process June 2021. Collection method: clinical testing. Allele origin: germline. Affected: yes.
Comment: Not observed at significant frequency in large population cohorts (gnomAD); In silico analysis supports that this missense variant has a deleterious effect on protein structure/function; Has not been previously published as pathogenic or benign to our knowledge; This variant is associated with the following publications: (PMID: 27535533)

NM_006445.4(PRPF8):c.3319C>T (p.Arg1107Trp)

Gene: PRPF8 (pre-mRNA processing factor 8; minus strand). Cytogenetic location: 17p13.3.
Variant type: single nucleotide variant.
Coding change: c.3319C>T on transcript NM_006445.4 (MANE Select); coding-DNA position 3319, C replaced by T.
Protein change: p.Arg1107Trp; replaces arginine 1107 with tryptophan.
Molecular consequence: missense variant.
Genome position (GRCh38, 1-based): chr17:1,673,873, G>A on the plus strand (C>T on the coding strand, the complement: PRPF8 is on the minus strand). VCF-style: chr17-1673873-G-A. GRCh37 (hg19) VCF-style: chr17-1577167-G-A.
Other names: short protein forms R1107W.
Identifiers: ClinVar variation 1693383 (VCV001693383.2), dbSNP rs2151126253, ClinGen allele CA397541792.
Genomic context (GRCh38, chr17:1,673,873, plus strand): 5'-CAACGATGTTTTCATTATTGGGGTCAGGGTGCTCTGTCAGGTAACGTTGAATCAGGTCCC[G>A]AGCCTCATCTGCTGTGAACCTACACCAGACCAGGTACACTGCTGAGGCCCCAGTACACTG-3'
Protein context (NP_006436.3, residues 1097-1117): IFFRFTADEA[Arg1107Trp]DLIQRYLTEH